The following is an entry in ClinVar:

NM_000127.3(EXT1):c.419G>T (p.Gly140Val)

Gene: EXT1 (exostosin glycosyltransferase 1; minus strand). Cytogenetic location: 8q24.11.
Variant type: single nucleotide variant.
Coding change: c.419G>T on transcript NM_000127.3 (MANE Select); coding-DNA position 419, G replaced by T.
Protein change: p.Gly140Val; replaces glycine 140 with valine.
Molecular consequence: missense variant.
Genome position (GRCh38, 1-based): chr8:118,110,628, C>A on the plus strand (G>T on the coding strand, the complement: EXT1 is on the minus strand). VCF-style: chr8-118110628-C-A. GRCh37 (hg19) VCF-style: chr8-119122867-C-A.
Other names: short protein forms G140V.
Identifiers: ClinVar variation 1417900 (VCV001417900.6), dbSNP rs769557488, ClinGen allele CA4854360.
Genomic context (GRCh38, chr8:118,110,628, plus strand): 5'-GTATCCAGACTCAGGACAAAGAGGCACGCCTGGCTGGGGTCCGAGGTGTAGAACCTGGAG[C>A]CCTCGATGGCCGCTAGAATGTTTTGGTAACTTTCGGCGATTTTCTCCCCTTTTTGCTGTG-3'
Protein context (NP_000118.2, residues 130-150): SYQNILAAIE[Gly140Val]SRFYTSDPSQ

ClinVar aggregate classification (germline): Uncertain significance (1 of 4 stars; one submission).

Conditions:
Multiple congenital exostosis (EXT). Also called: Hereditary multiple osteochondromas; MULTIPLE CARTILAGINOUS EXOSTOSES; Multiple exostoses; Hereditary multiple exostoses; Hereditary multiple exostosis; Multiple osteochondromas. Identifiers: Orphanet 321, MedGen C0015306, MONDO:0005508, HP:0002762.

Allele frequency attached by ClinVar (database versions not stated): ExAC 0.00001; gnomAD exomes 0.00001.

Submission:

Labcorp Genetics (formerly Invitae), Labcorp
Classification: Uncertain significance for Multiple congenital exostosis. Last evaluated: 2021-09-25. Review status: criteria provided, single submitter. Criteria: Invitae Variant Classification Sherloc (09022015). Collection method: clinical testing. Allele origin: germline.
Comment: This sequence change replaces glycine with valine at codon 140 of the EXT1 protein (p.Gly140Val). The glycine residue is moderately conserved and there is a moderate physicochemical difference between glycine and valine. This variant is present in population databases (rs769557488, ExAC 0.01%). This variant has not been reported in the literature in individuals affected with EXT1-related conditions. Algorithms developed to predict the effect of missense changes on protein structure and function (SIFT, PolyPhen-2, Align-GVGD) all suggest that this variant is likely to be tolerated. In summary, the available evidence is currently insufficient to determine the role of this variant in disease. Therefore, it has been classified as a Variant of Uncertain Significance.